The following is an entry in ClinVar:

NM_001372.4(DNAH9):c.12495C>G (p.Ile4165Met)

Gene: DNAH9 (dynein axonemal heavy chain 9; plus strand). Cytogenetic location: 17p12.
Variant type: single nucleotide variant.
Coding change: c.12495C>G on transcript NM_001372.4 (MANE Select); coding-DNA position 12495, C replaced by G.
Protein change: p.Ile4165Met; replaces isoleucine 4165 with methionine.
Molecular consequence: missense variant.
Genome position (GRCh38, 1-based): chr17:11,937,357, C>G. VCF-style: chr17-11937357-C-G. GRCh37 (hg19) VCF-style: chr17-11840674-C-G.
Other names: c.1431C>G, p.Ile477Met (NM_004662.2); short protein forms I4165M, I477M.
Identifiers: ClinVar variation 1460754 (VCV001460754.6), dbSNP rs143953217, ClinGen allele CA8398174.

ClinVar aggregate classification (germline): Uncertain significance. Review status: criteria provided, multiple submitters, no conflicts (2 of 4 stars). 4 submissions from 4 submitters: Uncertain significance (4). Last evaluated 2024-11-04.

Allele frequency attached by ClinVar (database versions not stated): ESP Exome Variant Server 0.00131.
gnomAD v4.1: 2,227 of 1,603,564 alleles (0.14%); highest among the groups gnomAD compares: Non-Finnish European, 0.18%; 3 homozygotes.

Submissions (4):

Blueprint Genetics
Classification: Uncertain significance. Last evaluated: 2024-11-04. Review status: criteria provided, single submitter. Criteria: ACMG Guidelines, 2015. Collection method: clinical testing. Allele origin: germline.

Labcorp Genetics (formerly Invitae), Labcorp
Classification: Uncertain significance. Last evaluated: 2022-09-28. Review status: criteria provided, single submitter. Criteria: Invitae Variant Classification Sherloc (09022015). Collection method: clinical testing. Allele origin: germline.
Comment: This sequence change replaces isoleucine, which is neutral and non-polar, with methionine, which is neutral and non-polar, at codon 4165 of the DNAH9 protein (p.Ile4165Met). This variant is present in population databases (rs143953217, gnomAD 0.1%), and has an allele count higher than expected for a pathogenic variant. This variant has not been reported in the literature in individuals affected with DNAH9-related conditions. ClinVar contains an entry for this variant (Variation ID: 1460754). Advanced modeling of protein sequence and biophysical properties (such as structural, functional, and spatial information, amino acid conservation, physicochemical variation, residue mobility, and thermodynamic stability) performed at Invitae indicates that this missense variant is not expected to disrupt DNAH9 protein function. In summary, the available evidence is currently insufficient to determine the role of this variant in disease. Therefore, it has been classified as a Variant of Uncertain Significance.

GeneDx
Classification: Uncertain significance. Last evaluated: 2022-05-04. Review status: criteria provided, single submitter. Criteria: GeneDx Variant Classification Process June 2021. Collection method: clinical testing. Allele origin: germline. Affected: yes.
Comment: Reported in a patient with amyotrophic lateral sclerosis who also harbored an additional variant in the DNAH9 gene, reported as p.(I2671M) due to the use of alternate nomenclature (Steinberg et al., 2015); In silico analysis supports that this missense variant has a deleterious effect on protein structure/function; This variant is associated with the following publications: (PMID: 25773295)

Breakthrough Genomics
Classification: Uncertain significance. Review status: criteria provided, single submitter. Criteria: ACMG Guidelines, 2015. Collection method: not provided. Allele origin: germline. Inheritance: Autosomal recessive inheritance. Affected: yes.